The following is an entry in ClinVar:

ClinVar aggregate classification (germline): Uncertain significance (1 of 4 stars; one submission).

Conditions:
POLD1-related polyposis and colorectal cancer syndrome (CRCS10). Also called: Colorectal cancer 10; COLORECTAL CANCER, SUSCEPTIBILITY TO, ON CHROMOSOME 19q; Colorectal cancer, susceptibility to, 10. Identifiers: Orphanet 220460, MedGen C2675481, MONDO:0012953, OMIM 612591.

Submission:

Labcorp Genetics (formerly Invitae), Labcorp
Classification: Uncertain significance for POLD1-related polyposis and colorectal cancer syndrome. Last evaluated: 2021-08-31. Review status: criteria provided, single submitter. Criteria: Invitae Variant Classification Sherloc (09022015). Collection method: clinical testing. Allele origin: germline.
Comment: This sequence change falls in intron 14 of the POLD1 gene. It does not directly change the encoded amino acid sequence of the POLD1 protein. It affects a nucleotide within the consensus splice site of the intron. This variant is not present in population databases (ExAC no frequency). This variant has not been reported in the literature in individuals affected with POLD1-related conditions. ClinVar contains an entry for this variant (Variation ID: 537154). Variants that disrupt the consensus splice site are a relatively common cause of aberrant splicing (PMID: 17576681, 9536098). Algorithms developed to predict the effect of sequence changes on RNA splicing suggest that this variant is not likely to affect RNA splicing. In summary, the available evidence is currently insufficient to determine the role of this variant in disease. Therefore, it has been classified as a Variant of Uncertain Significance.

Literature cited by the submitters: PubMed 17576681; PubMed 9536098.

NM_002691.4(POLD1):c.1775+6del

Gene: POLD1 (DNA polymerase delta 1, catalytic subunit; plus strand). Cytogenetic location: 19q13.33.
Variant type: Deletion.
Coding change: c.1775+6del on transcript NM_002691.4 (MANE Select); 6 bases into the intron after coding-DNA position 1775, one base deleted (G; older notation c.1775+6delG).
Molecular consequence: intron variant.
Genome position (GRCh38, 1-based): chr19:50,407,421, G deleted; the last of 2 consecutive G bases (chr19:50,407,420-50,407,421); deleting either gives the same sequence. VCF-style (leftmost placement, unchanged base first): chr19-50407419-AG-A. GRCh37 (hg19) VCF-style: chr19-50910676-AG-A.
Other names: c.1775+6del (NM_001256849.1, NM_001308632.1); c.1775+6delG (NM_002691.3).
Identifiers: ClinVar variation 537154 (VCV000537154.6), dbSNP rs1555791538, ClinGen allele CA658799302.
Genomic context (GRCh38, chr19:50,407,419, plus strand): 5'-GAAGTCAGAGGGCGGCGAGGACTACACGGGAGCCACTGTCATCGAGCCCCTCAAAGGGTG[AG>A]GCCCCAGGCTGGGTGCAGTTTTTACCTGTAATCTCTGGGAGGCTGAGGTGGGAGGATCAC-3'